The following is an entry in ClinVar:

ClinVar aggregate classification (germline): Uncertain significance (1 of 4 stars; one submission).

Submission:

Labcorp Genetics (formerly Invitae), Labcorp
Classification: Uncertain significance. Last evaluated: 2022-10-20. Review status: criteria provided, single submitter. Criteria: Invitae Variant Classification Sherloc (09022015). Collection method: clinical testing. Allele origin: germline.
Comment: This sequence change replaces alanine, which is neutral and non-polar, with proline, which is neutral and non-polar, at codon 333 of the TLR7 protein (p.Ala333Pro). This variant is not present in population databases (gnomAD no frequency). This variant has not been reported in the literature in individuals affected with TLR7-related conditions. Algorithms developed to predict the effect of missense changes on protein structure and function are either unavailable or do not agree on the potential impact of this missense change (SIFT: "Deleterious"; PolyPhen-2: "Probably Damaging"; Align-GVGD: "Class C0"). In summary, the available evidence is currently insufficient to determine the role of this variant in disease. Therefore, it has been classified as a Variant of Uncertain Significance.

NM_016562.4(TLR7):c.997G>C (p.Ala333Pro)

Gene: TLR7 (toll like receptor 7; plus strand). Cytogenetic location: Xp22.2.
Variant type: single nucleotide variant.
Coding change: c.997G>C on transcript NM_016562.4 (MANE Select); coding-DNA position 997, G replaced by C.
Protein change: p.Ala333Pro; replaces alanine 333 with proline.
Molecular consequence: missense variant.
Genome position (GRCh38, 1-based): chrX:12,886,505, G>C. VCF-style: chrX-12886505-G-C. GRCh37 (hg19) VCF-style: chrX-12904624-G-C.
Other names: short protein forms A333P.
Identifiers: ClinVar variation 2809175 (VCV002809175.3), dbSNP rs2518437920, ClinGen allele CA412406150.